The following is an entry in ClinVar:

ClinVar aggregate classification (germline): Likely benign (1 of 4 stars; one submission).

gnomAD v4.1: 69 of 1,613,984 alleles (0.0043%); highest among the groups gnomAD compares: Middle Eastern, 0.016%; no homozygotes.

Submission:

CeGaT Center for Human Genetics Tuebingen
Classification: Likely benign. Last evaluated: 2025-12-01. Review status: criteria provided, single submitter. Criteria: CeGaT Center For Human Genetics Tuebingen Variant Classification Criteria Version 2. Collection method: clinical testing. Allele origin: germline. Affected: yes. Observed: 1 variant allele.
Comment: ATP9A: BP4, BP7

NM_006045.3(ATP9A):c.2535C>T (p.Phe845=)

Gene: ATP9A (ATPase phospholipid transporting 9A; minus strand). Cytogenetic location: 20q13.2.
Variant type: single nucleotide variant.
Coding change: c.2535C>T on transcript NM_006045.3 (MANE Select); coding-DNA position 2535, C replaced by T.
Protein change: p.Phe845=; no amino-acid change (phenylalanine 845 retained).
Molecular consequence: synonymous variant.
Genome position (GRCh38, 1-based): chr20:51,613,713, G>A on the plus strand (C>T on the coding strand, the complement: ATP9A is on the minus strand). VCF-style: chr20-51613713-G-A. GRCh37 (hg19) VCF-style: chr20-50230252-G-A.
Identifiers: ClinVar variation 4681311 (VCV004681311.5).